The following is an entry in ClinVar:

ClinVar aggregate classification (germline): Uncertain significance. Review status: criteria provided, multiple submitters, no conflicts (2 of 4 stars). 2 submissions from 2 submitters: Uncertain significance (2). Last evaluated 2025-04-17.

Conditions:
Familial adenomatous polyposis 1 (FAP1). Also called: FAMILIAL ADENOMATOUS POLYPOSIS 1, ATTENUATED; POLYPOSIS, ADENOMATOUS INTESTINAL. Identifiers: MedGen C2713442, MONDO:0021056, OMIM 175100. Disease mechanism: loss of function.
Hereditary cancer-predisposing syndrome. Also called: Tumor predisposition; Hereditary neoplastic syndrome; Hereditary Cancer Syndrome; Neoplastic Syndromes, Hereditary. Identifiers: Orphanet 140162, MedGen C0027672, MeSH D009386, MONDO:0015356.

Allele frequency attached by ClinVar (database versions not stated): TOPMed below 0.00001; gnomAD 0.00001.
gnomAD v4.1: 1 of 1,613,790 alleles (0.000062%); highest among the groups gnomAD compares: African/African-American, 0.0013%; no homozygotes.

Submissions (2):

Labcorp Genetics (formerly Invitae), Labcorp
Classification: Uncertain significance for Familial adenomatous polyposis 1. Last evaluated: 2025-04-17. Review status: criteria provided, single submitter. Criteria: Invitae Variant Classification Sherloc (09022015). Collection method: clinical testing. Allele origin: germline.
Comment: This sequence change replaces aspartic acid, which is acidic and polar, with glycine, which is neutral and non-polar, at codon 1873 of the APC protein (p.Asp1873Gly). This variant is not present in population databases (gnomAD no frequency). This variant has not been reported in the literature in individuals affected with APC-related conditions. ClinVar contains an entry for this variant (Variation ID: 3019899). Invitae Evidence Modeling of protein sequence and biophysical properties (such as structural, functional, and spatial information, amino acid conservation, physicochemical variation, residue mobility, and thermodynamic stability) indicates that this missense variant is not expected to disrupt APC protein function with a negative predictive value of 95%. In summary, the available evidence is currently insufficient to determine the role of this variant in disease. Therefore, it has been classified as a Variant of Uncertain Significance.

Ambry Genetics
Classification: Uncertain significance for Hereditary cancer-predisposing syndrome. Last evaluated: 2025-03-30. Review status: criteria provided, single submitter. Criteria: Ambry Variant Classification Scheme 2023. Collection method: clinical testing. Allele origin: germline.
Comment: The p.D1873G variant (also known as c.5618A>G), located in coding exon 15 of the APC gene, results from an A to G substitution at nucleotide position 5618. The aspartic acid at codon 1873 is replaced by glycine, an amino acid with similar properties. This amino acid position is conserved. In addition, in silico predictors for this gene do not accurately predict pathogenicity. Based on the available evidence, the clinical significance of this variant remains unclear.

NM_000038.6(APC):c.5618A>G (p.Asp1873Gly)

Gene: APC (APC regulator of Wnt signaling pathway; plus strand). Cytogenetic location: 5q22.2.
Variant type: single nucleotide variant.
Coding change: c.5618A>G on transcript NM_000038.6 (MANE Select); coding-DNA position 5618, A replaced by G.
Protein change: p.Asp1873Gly; replaces aspartic acid 1873 with glycine.
Molecular consequence: missense variant. On other transcripts: non-coding transcript variant (2).
Genome position (GRCh38, 1-based): chr5:112,841,212, A>G. VCF-style: chr5-112841212-A-G. GRCh37 (hg19) VCF-style: chr5-112176909-A-G.
Other names: c.5618A>G, p.Asp1873Gly (NM_001127510.3, NM_001354895.2, NM_001407450.1); c.5564A>G, p.Asp1855Gly (NM_001127511.3); c.5672A>G, p.Asp1891Gly (NM_001354896.2, NM_001407447.1, NM_001407448.1 and 1 more transcripts); c.5648A>G, p.Asp1883Gly (NM_001354897.2); c.5543A>G, p.Asp1848Gly (NM_001354898.2); c.5534A>G, p.Asp1845Gly (NM_001354899.2); c.5495A>G, p.Asp1832Gly (NM_001354900.2); c.5441A>G, p.Asp1814Gly (NM_001354901.2, NM_001407453.1); and 12 more; short protein forms D1713G, D1772G, D1832G, D1744G, D1747G, D1855G, D1863G, D1489G.
Identifiers: ClinVar variation 3019899 (VCV003019899.4), dbSNP rs1765993950, ClinGen allele CA16033628.